The following is an entry in ClinVar:

NM_000057.4(BLM):c.3874+6T>C

Gene: BLM (BLM RecQ like helicase; plus strand). Cytogenetic location: 15q26.1.
Variant type: single nucleotide variant.
Coding change: c.3874+6T>C on transcript NM_000057.4 (MANE Select); 6 bases into the intron after coding-DNA position 3874, T replaced by C.
Molecular consequence: intron variant.
Genome position (GRCh38, 1-based): chr15:90,809,265, T>C. VCF-style: chr15-90809265-T-C. GRCh37 (hg19) VCF-style: chr15-91352495-T-C.
Other names: c.3874+6T>C (NM_001287246.2); c.2749+6T>C (NM_001287248.2); c.3481+6T>C (NM_001287247.2).
Identifiers: ClinVar variation 4716050 (VCV004716050.1).

ClinVar aggregate classification (germline): Uncertain significance (1 of 4 stars; one submission).

Conditions:
Bloom syndrome (BLM). Also called: Bloom-Torre-Machacek syndrome. Identifiers: Orphanet 125, MedGen C0005859, MONDO:0008876, OMIM 210900.

Submission:

Labcorp Genetics (formerly Invitae), Labcorp
Classification: Uncertain significance for Bloom syndrome. Last evaluated: 2025-10-14. Review status: criteria provided, single submitter. Criteria: Invitae Variant Classification Sherloc (09022015). Collection method: clinical testing. Allele origin: germline.
Comment: This sequence change falls in intron 20 of the BLM gene. It does not directly change the encoded amino acid sequence of the BLM protein. It affects a nucleotide within the consensus splice site. This variant is not present in population databases (gnomAD no frequency). This variant has not been reported in the literature in individuals affected with BLM-related conditions. Variants that disrupt the consensus splice site are a relatively common cause of aberrant splicing (PMID: 17576681, 9536098). Algorithms developed to predict the effect of sequence changes on RNA splicing suggest that this variant may disrupt the consensus splice site. In summary, the available evidence is currently insufficient to determine the role of this variant in disease. Therefore, it has been classified as a Variant of Uncertain Significance.

Literature cited by the submitters: PubMed 17576681; PubMed 9536098.